The following is an entry in ClinVar:

NM_012418.4(FSCN2):c.659C>G (p.Ala220Gly)

Gene: FSCN2 (fascin actin-bundling protein 2, retinal; plus strand). Cytogenetic location: 17q25.3.
Variant type: single nucleotide variant.
Coding change: c.659C>G on transcript NM_012418.4 (MANE Select); coding-DNA position 659, C replaced by G.
Protein change: p.Ala220Gly; replaces alanine 220 with glycine.
Molecular consequence: missense variant.
Genome position (GRCh38, 1-based): chr17:81,529,190, C>G. VCF-style: chr17-81529190-C-G. GRCh37 (hg19) VCF-style: chr17-79496216-C-G.
Other names: c.659C>G, p.Ala220Gly (NM_001077182.3); short protein forms A220G.
Identifiers: ClinVar variation 2101689 (VCV002101689.4), dbSNP rs2032464277, ClinGen allele CA401473314.

ClinVar aggregate classification (germline): Uncertain significance (1 of 4 stars; one submission).

Allele frequency attached by ClinVar (database versions not stated): gnomAD 0.00001.
gnomAD v4.1: 2 of 1,595,804 alleles (0.00013%); highest among the groups gnomAD compares: African/African-American, 0.0027%; no homozygotes.

Submission:

Labcorp Genetics (formerly Invitae), Labcorp
Classification: Uncertain significance. Last evaluated: 2022-08-23. Review status: criteria provided, single submitter. Criteria: Invitae Variant Classification Sherloc (09022015). Collection method: clinical testing. Allele origin: germline.
Comment: Algorithms developed to predict the effect of missense changes on protein structure and function are either unavailable or do not agree on the potential impact of this missense change (SIFT: "Deleterious"; PolyPhen-2: "Probably Damaging"; Align-GVGD: "Class C0"). In summary, the available evidence is currently insufficient to determine the role of this variant in disease. Therefore, it has been classified as a Variant of Uncertain Significance. This variant has not been reported in the literature in individuals affected with FSCN2-related conditions. This sequence change replaces alanine, which is neutral and non-polar, with glycine, which is neutral and non-polar, at codon 220 of the FSCN2 protein (p.Ala220Gly). This variant is not present in population databases (gnomAD no frequency).